The following is an entry in ClinVar:

NM_003718.5(CDK13):c.4266C>T (p.Asp1422=)

Gene: CDK13 (cyclin dependent kinase 13; plus strand). Cytogenetic location: 7p14.1.
Variant type: single nucleotide variant.
Coding change: c.4266C>T on transcript NM_003718.5 (MANE Select); coding-DNA position 4266, C replaced by T.
Protein change: p.Asp1422=; no amino-acid change (aspartic acid 1422 retained).
Molecular consequence: synonymous variant.
Genome position (GRCh38, 1-based): chr7:40,094,707, C>T. VCF-style: chr7-40094707-C-T. GRCh37 (hg19) VCF-style: chr7-40134306-C-T.
Other names: c.4086C>T, p.Asp1362= (NM_031267.4).
Identifiers: ClinVar variation 730372 (VCV000730372.32), dbSNP rs139981763, ClinGen allele CA4229105.

ClinVar aggregate classification (germline): Likely benign. Review status: criteria provided, multiple submitters, no conflicts (2 of 4 stars). 2 submissions from 2 submitters: Likely benign (2). Last evaluated 2025-07-27.

Allele frequency attached by ClinVar (database versions not stated): gnomAD 0.00024; TOPMed 0.00030; gnomAD exomes 0.00038 and 0.00041; ExAC 0.00052; ESP Exome Variant Server 0.00062.
gnomAD v4.1: 628 of 1,614,054 alleles (0.039%); highest among the groups gnomAD compares: Non-Finnish European, 0.048%; no homozygotes.

Submissions (2):

Labcorp Genetics (formerly Invitae), Labcorp
Classification: Likely benign. Last evaluated: 2025-07-27. Review status: criteria provided, single submitter. Criteria: Invitae Variant Classification Sherloc (09022015). Collection method: clinical testing. Allele origin: germline.

CeGaT Center for Human Genetics Tuebingen
Classification: Likely benign. Last evaluated: 2022-10-01. Review status: criteria provided, single submitter. Criteria: CeGaT Center For Human Genetics Tuebingen Variant Classification Criteria Version 2. Collection method: clinical testing. Allele origin: germline. Affected: yes. Observed: 1 variant allele.
Comment: CDK13: BP4